The following is an entry in ClinVar:

ClinVar aggregate classification (germline): Pathogenic (1 of 4 stars; one submission).

Conditions:
Beck-Fahrner syndrome (BEFAHRS). Identifiers: Orphanet 684216, MedGen C5394097, MONDO:0032922, OMIM 618798.

Submission:

Victorian Clinical Genetics Services, Murdoch Childrens Research Institute
Classification: Pathogenic for Beck-Fahrner syndrome. Last evaluated: 2022-06-24. Review status: criteria provided, single submitter. Criteria: ACMG Guidelines, 2015. Collection method: clinical testing. Allele origin: germline. Inheritance: Autosomal dominant inheritance. Affected: yes.
Comment: Based on the classification scheme VCGS_Germline_v1.3.4, this variant is classified as Pathogenic. Following criteria are met: 0102 - Loss of function is a known mechanism of disease in this gene and is associated with Beck-Fahrner syndrome (MIM#618798). While biallelic missense variants have been functionally proven to be hypomorphic, dominant-negative could not be excluded as the mechanism for monoallelic variants (PMID: 31928709). (I) 0108 - This gene is associated with both recessive and dominant disease. There is currently no established genotype-phenotype correlation, however, null variants have only been reported in autosomal dominant families. It has also been noted that both monoallelic and biallelic probands are phenotypically similar (PMID: 31928709, 34719681). (I) 0112 - The condition associated with this gene has incomplete penetrance. In a biallelic family, carrier parents were reported to be clinically healthy (PMID: 34719681). (I) 0201 - Variant is predicted to cause nonsense-mediated decay (NMD) and loss of protein (premature termination codon is located at least 54 nucleotides upstream of the final exon-exon junction). (SP) 0251 - This variant is heterozygous. (I) 0301 - Variant is absent from gnomAD (both v2 and v3). (SP) 0702 - Other NMD-predicted variants comparable to the one identified in this case have strong previous evidence for pathogenicity (Clinvar, DECIPHER, PMID: 31928709, 34719681). (SP) 0807 - This variant has no previous evidence of pathogenicity. (I) 0905 - No published segregation evidence has been identified for this variant. (I) 1007 - No published functional evidence has been identified for this variant. (I) Legend: (SP) - Supporting pathogenic, (I) - Information, (SB) - Supporting benign

Literature cited by the submitters: PubMed 31928709; PubMed 34719681.

NM_001287491.2(TET3):c.1349G>A (p.Trp450Ter)

Gene: TET3 (tet methylcytosine dioxygenase 3; plus strand). Cytogenetic location: 2p13.1.
Variant type: single nucleotide variant.
Coding change: c.1349G>A on transcript NM_001287491.2 (MANE Select); coding-DNA position 1349, G replaced by A.
Protein change: p.Trp450Ter; replaces tryptophan 450 with a stop codon.
Molecular consequence: nonsense.
Genome position (GRCh38, 1-based): chr2:74,047,266, G>A. VCF-style: chr2-74047266-G-A. GRCh37 (hg19) VCF-style: chr2-74274393-G-A.
Other names: c.1070G>A, p.Trp357Ter (NM_001366022.1); short protein forms W357*, W450*.
Identifiers: ClinVar variation 3376645 (VCV003376645.1).